The following is an entry in ClinVar:

ClinVar aggregate classification (germline): Likely benign (0 of 4 stars; one submission).

Conditions:
H19-related disorder. Also called: H19-related condition.

Submission:

PreventionGenetics, part of Exact Sciences
Classification: Likely benign for H19-related condition. Last evaluated: 2019-05-25. Review status: no assertion criteria provided. Collection method: clinical testing. Allele origin: germline.
Comment: This variant is classified as likely benign based on ACMG/AMP sequence variant interpretation guidelines (Richards et al. 2015 PMID: 25741868, with internal and published modifications).

NR_002196.3(H19):n.929C>T

Genes: H19 (H19 imprinted maternally expressed transcript; minus strand), MRPL23 (mitochondrial ribosomal protein L23; plus strand). Cytogenetic location: 11p15.5.
Variant type: single nucleotide variant.
Molecular consequence: non-coding transcript variant (on NR_002196.3). On other transcripts: intron variant (1).
Genome position: GRCh38 VCF-style: chr11-1996914-G-A. GRCh37 (hg19) VCF-style: chr11-2018144-G-A.
Other names: c.498-14627G>A (NM_001400176.1).
Identifiers: ClinVar variation 3038927 (VCV003038927.2), dbSNP rs768282254, ClinGen allele CA5817499.
Genomic context (GRCh38, chr11:1,996,914, plus strand): 5'-CGCCCGCAGGCCGAGCCCCTGCAGCCTCCTTGCTGCGCAATGTCCCGGGGCCCCCCTCCC[G>A]TGGCCGCTTCGCCCTCCTGGTGACGTCCTGCTGCAACTCCCCGAGCACTGCCTGTCTTCC-3'